The following is an entry in ClinVar:

NM_000093.5(COL5A1):c.2174A>G (p.Asn725Ser)

Gene: COL5A1 (collagen type V alpha 1 chain; plus strand). Cytogenetic location: 9q34.3.
Variant type: single nucleotide variant.
Coding change: c.2174A>G on transcript NM_000093.5 (MANE Select); coding-DNA position 2174, A replaced by G.
Protein change: p.Asn725Ser; replaces asparagine 725 with serine.
Molecular consequence: missense variant.
Genome position (GRCh38, 1-based): chr9:134,767,040, A>G. VCF-style: chr9-134767040-A-G. GRCh37 (hg19) VCF-style: chr9-137658886-A-G.
Other names: c.2174A>G, p.Asn725Ser (NM_001278074.1); short protein forms N725S.
Identifiers: ClinVar variation 392843 (VCV000392843.17), dbSNP rs142612655, ClinGen allele CA16606343.

ClinVar aggregate classification (germline): Conflicting classifications of pathogenicity. Review status: criteria provided, conflicting classifications (1 of 4 stars). 4 submissions from 4 submitters: Uncertain significance (3); Likely benign (1). Last evaluated 2025-10-16.

Conditions:
COL5A1-related disorder. Also called: COL5A1-related condition.
Ehlers-Danlos syndrome, classic type, 1 (EDSCL1). Also called: Ehlers-Danlos syndrome, type 1; EHLERS-DANLOS SYNDROME, GRAVIS TYPE; EHLERS-DANLOS SYNDROME, SEVERE CLASSIC TYPE; Ehlers-Danlos Syndrome, Classic Type, COL5A1-Related; EDS I. Identifiers: MedGen C0268335, MONDO:0019567, OMIM 130000.
Ehlers-Danlos syndrome, classic type (cEDS). Identifiers: Orphanet 287, MedGen C4225429, MONDO:0007522.

Allele frequency attached by ClinVar (database versions not stated): gnomAD 0.00001; gnomAD exomes 0.00001 and 0.00002; TOPMed 0.00001; ESP Exome Variant Server 0.00008.
gnomAD v4.1: 29 of 1,613,456 alleles (0.0018%); highest among the groups gnomAD compares: Non-Finnish European, 0.0024%; no homozygotes.

Submissions (4):

PreventionGenetics, part of Exact Sciences
Classification: Uncertain significance for COL5A1-related condition. Last evaluated: 2025-10-16. Review status: criteria provided, single submitter. Criteria: ACMG Guidelines, 2015. Collection method: clinical testing. Allele origin: germline.
Comment: The COL5A1 c.2174A>G variant is predicted to result in the amino acid substitution p.Asn725Ser. To our knowledge, this variant has not been reported in the literature. This variant is reported in 0.0018% of alleles in individuals of European (Non-Finnish) descent in gnomAD and has conflicting classifications in ClinVar ranging from uncertain to likely benign (ClinVar ID: 392843). Of note another variant impacting the same amino acid (p.Asn725Lys) was documented along with a second COL5A1 variant in two family members with Ehlers-Danlos syndrome (Colman et al. 2021. PubMed ID: 34265140). Although we suspect that the c.2174A>G (p.Asn725Ser) variant may be benign, at this time, the clinical significance of this variant is uncertain due to the absence of conclusive functional and genetic evidence.

GeneDx
Classification: Uncertain significance. Last evaluated: 2024-07-15. Review status: criteria provided, single submitter. Criteria: GeneDx Variant Classification Process June 2021. Collection method: clinical testing. Allele origin: germline. Affected: yes.
Comment: Not observed at significant frequency in large population cohorts (gnomAD); In silico analysis indicates that this missense variant does not alter protein structure/function; Has not been previously published as pathogenic or benign to our knowledge; Occurs in the triple helical domain at the X position in the canonical Gly-X-Y repeat; although this variant may have an effect on normal protein folding and function, missense substitution at the X position is not a common mechanism of disease (PMID: 22696272; HGMD); This variant is associated with the following publications: (PMID: 22696272)

Labcorp Genetics (formerly Invitae), Labcorp
Classification: Likely benign for Ehlers-Danlos syndrome, classic type, 1. Last evaluated: 2023-01-29. Review status: criteria provided, single submitter. Criteria: Invitae Variant Classification Sherloc (09022015). Collection method: clinical testing. Allele origin: germline.

Fulgent Genetics
Classification: Uncertain significance for Ehlers-Danlos syndrome, classic type, 1. Last evaluated: 2018-10-31. Review status: criteria provided, single submitter. Criteria: ACMG Guidelines, 2015. Collection method: clinical testing. Allele origin: unknown.